The following is an entry in ClinVar:

NM_025136.4(OPA3):c.39C>G (p.Tyr13Ter)

Genes: OPA3 (outer mitochondrial membrane lipid metabolism regulator OPA3; minus strand), OPA3-RTN2 (OPA3-RTN2 readthrough; minus strand), LOC130064709 (ATAC-STARR-seq lymphoblastoid active region 14802; plus strand). Cytogenetic location: 19q13.32.
Variant type: single nucleotide variant.
Coding change: c.39C>G on transcript NM_025136.4 (MANE Select); coding-DNA position 39, C replaced by G.
Protein change: p.Tyr13Ter; replaces tyrosine 13 with a stop codon.
Molecular consequence: nonsense.
Genome position (GRCh38, 1-based): chr19:45,584,726, G>C on the plus strand (C>G on the coding strand, the complement: OPA3 is on the minus strand). VCF-style: chr19-45584726-G-C. GRCh37 (hg19) VCF-style: chr19-46087984-G-C.
Other names: c.39C>G, p.Tyr13Ter (NM_001017989.3); short protein forms Y13*.
Identifiers: ClinVar variation 3754912 (VCV003754912.2).
Genomic context (GRCh38, chr19:45,584,726, plus strand): 5'-TCGGCGGGCGGCCTCCTTAATACGGTTGGCAAGCGGCTTGCTGACCTGCCGGATGCCCAA[G>C]TATAGCAGCTTCGCCATAGGGAACGCGCCCACCACCATCTTGGCGGTCTCACAGGGCACG-3'

ClinVar aggregate classification (germline): Pathogenic (1 of 4 stars; one submission).

Conditions:
Optic atrophy 3 (OPA3). Also called: OPTIC ATROPHY 3, AUTOSOMAL DOMINANT; Optic atrophy, cataract, and neurologic disorder; Optic atrophy 3 with cataract. Identifiers: Orphanet 67036, MedGen C1833809, MONDO:0008133, OMIM 165300.
3-Methylglutaconic aciduria type 3 (MGCA3). Also called: OPA3, AUTOSOMAL RECESSIVE; OPTIC ATROPHY 3, AUTOSOMAL RECESSIVE; OPA3-Related 3-Methylglutaconic Aciduria; Costeff Syndrome. Identifiers: Orphanet 67047, MedGen C0574084, MONDO:0009787, OMIM 258501.

Submission:

Labcorp Genetics (formerly Invitae), Labcorp
Classification: Pathogenic for 3-Methylglutaconic aciduria type 3; Optic atrophy 3. Last evaluated: 2024-02-24. Review status: criteria provided, single submitter. Criteria: Invitae Variant Classification Sherloc (09022015). Collection method: clinical testing. Allele origin: germline.
Comment: This sequence change creates a premature translational stop signal (p.Tyr13*) in the OPA3 gene. It is expected to result in an absent or disrupted protein product. Loss-of-function variants in OPA3 are known to be pathogenic (PMID: 11668429, 25201222). This variant is not present in population databases (gnomAD no frequency). This variant has not been reported in the literature in individuals affected with OPA3-related conditions. For these reasons, this variant has been classified as Pathogenic.

Literature cited by the submitters: PubMed 11668429; PubMed 25201222.